The following is an entry in ClinVar:

ClinVar aggregate classification (germline): Uncertain significance (1 of 4 stars; one submission).

Conditions:
Cardiomyopathy (CMYO). Also called: Cardiomyopathies. Identifiers: Orphanet 167848, MedGen C0878544, MONDO:0004994, HP:0001638. Inheritance: Various modes of inheritance.

Submission:

Color Diagnostics, LLC DBA Color Health
Classification: Uncertain significance for Cardiomyopathy. Last evaluated: 2023-12-05. Review status: criteria provided, single submitter. Criteria: ACMG Guidelines, 2015. Collection method: clinical testing. Allele origin: germline.
Comment: This missense variant replaces isoleucine with valine at codon 913 of the MYH7 protein. Computational prediction tools and conservation analyses are inconclusive regarding the impact of this variant on the protein function. Computational splicing tools suggest that this variant may not impact RNA splicing. To our knowledge, functional assays have not been performed for this variant nor has this variant been reported in individuals affected with cardiovascular disorders in the literature. This variant has not been identified in the general population by the Genome Aggregation Database (gnomAD). Available evidence is insufficient to determine the role of this variant in disease conclusively. Therefore, this variant is classified as a Variant of Uncertain Significance.

NM_000257.4(MYH7):c.2737A>G (p.Ile913Val)

Gene: MYH7 (myosin heavy chain 7; minus strand). Cytogenetic location: 14q11.2.
Variant type: single nucleotide variant.
Coding change: c.2737A>G on transcript NM_000257.4 (MANE Select); coding-DNA position 2737, A replaced by G.
Protein change: p.Ile913Val; replaces isoleucine 913 with valine.
Molecular consequence: missense variant.
Genome position (GRCh38, 1-based): chr14:23,424,092, T>C on the plus strand (A>G on the coding strand, the complement: MYH7 is on the minus strand). VCF-style: chr14-23424092-T-C. GRCh37 (hg19) VCF-style: chr14-23893301-T-C.
Other names: short protein forms I913V.
Identifiers: ClinVar variation 918407 (VCV000918407.5), dbSNP rs1892595728, ClinGen allele CA389047220.